The following is an entry in ClinVar:

ClinVar aggregate classification (germline): Likely pathogenic (1 of 4 stars; one submission).

Conditions:
Combined oxidative phosphorylation defect type 17. Also called: Combined oxidative phosphorylation deficiency 17. Identifiers: Orphanet 369913, MedGen C3809526, MONDO:0014190, OMIM 615440.

Submission:

Labcorp Genetics (formerly Invitae), Labcorp
Classification: Likely pathogenic for Combined oxidative phosphorylation defect type 17. Last evaluated: 2025-01-07. Review status: criteria provided, single submitter. Criteria: Invitae Variant Classification Sherloc (09022015). Collection method: clinical testing. Allele origin: germline.
Comment: This sequence change affects a donor splice site in intron 3 of the ELAC2 gene. It is expected to disrupt RNA splicing. Variants that disrupt the donor or acceptor splice site typically lead to a loss of protein function (PMID: 16199547), and loss-of-function variants in ELAC2 are known to be pathogenic (PMID: 27769300, 31045291). This variant is not present in population databases (gnomAD no frequency). This variant has not been reported in the literature in individuals affected with ELAC2-related conditions. Algorithms developed to predict the effect of sequence changes on RNA splicing suggest that this variant may disrupt the consensus splice site. In summary, the currently available evidence indicates that the variant is pathogenic, but additional data are needed to prove that conclusively. Therefore, this variant has been classified as Likely Pathogenic.

Literature cited by the submitters: PubMed 16199547; PubMed 27769300; PubMed 31045291.

NM_018127.7(ELAC2):c.367+2T>C

Gene: ELAC2 (elaC ribonuclease Z 2; minus strand). Cytogenetic location: 17p12.
Variant type: single nucleotide variant.
Coding change: c.367+2T>C on transcript NM_018127.7 (MANE Select); the canonical splice donor site of the intron after coding-DNA position 367, T replaced by C.
Molecular consequence: splice donor variant.
Genome position (GRCh38, 1-based): chr17:13,016,860, A>G on the plus strand (T>C on the coding strand, the complement: ELAC2 is on the minus strand). VCF-style: chr17-13016860-A-G. GRCh37 (hg19) VCF-style: chr17-12920177-A-G.
Other names: c.367+2T>C (NM_001165962.2, NM_173717.2).
Identifiers: ClinVar variation 3620530 (VCV003620530.2).